The following is an entry in ClinVar:

ClinVar aggregate classification (germline): Pathogenic (1 of 4 stars; one submission).

Conditions:
Intellectual developmental disorder, autosomal dominant 46. Also called: Intellectual disability, autosomal dominant 46; MENTAL RETARDATION, AUTOSOMAL DOMINANT 46. Identifiers: MedGen C4539851, MONDO:0030911, OMIM 617601.

Submission:

Centre of Medical Genetics, University Hospital Muenster
Classification: Pathogenic for Intellectual developmental disorder, autosomal dominant 46. Last evaluated: 2022-03-11. Review status: criteria provided, single submitter. Criteria: ACMG Guidelines, 2015. Collection method: clinical testing. Allele origin: germline. Affected: yes. Observed: 1 variant allele, 1 heterozygote.
Comment: ACMG categories: PVS1,PS5,PM2

NM_019842.4(KCNQ5):c.824dup (p.Leu275fs)

Gene: KCNQ5 (potassium voltage-gated channel subfamily Q member 5; plus strand). Cytogenetic location: 6q13.
Variant type: Duplication.
Coding change: c.824dup on transcript NM_019842.4 (MANE Select); coding-DNA position 824, one base duplicated (T; older notation c.824dupT).
Protein change: p.Leu275fs; shifts the reading frame from leucine 275.
Molecular consequence: frameshift variant.
Genome position (GRCh38, 1-based): chr6:73,077,793, T duplicated; the last of 5 consecutive T bases (chr6:73,077,789-73,077,793); duplicating any one gives the same sequence. VCF-style (leftmost placement, unchanged base first): chr6-73077788-A-AT. GRCh37 (hg19) VCF-style: chr6-73787511-A-AT.
Other names: c.824dup, p.Leu275fs (NM_001160130.2, NM_001160132.2, NM_001160133.2 and 1 more transcripts); short protein forms L275fs.
Identifiers: ClinVar variation 1675172 (VCV001675172.2), dbSNP rs2150391860, ClinGen allele CA645565775.